The following is an entry in ClinVar:

ClinVar aggregate classification (germline): Uncertain significance (1 of 4 stars; one submission).

gnomAD v4.1: 1 of 1,211,872 alleles (0.000083%); highest among the groups gnomAD compares: Non-Finnish European, 0.00011%; no homozygotes.

Submission:

GeneDx
Classification: Uncertain significance. Last evaluated: 2025-10-02. Review status: criteria provided, single submitter. Criteria: GeneDx Variant Classification Process June 2021. Collection method: clinical testing. Allele origin: germline.
Comment: Not observed at significant frequency in large population cohorts (gnomAD); In silico analysis supports that this missense variant has a deleterious effect on protein structure/function; Has not been previously published as pathogenic or benign to our knowledge

NM_000202.8(IDS):c.1462A>G (p.Met488Val)

Gene: IDS (iduronate 2-sulfatase; minus strand). Cytogenetic location: Xq28.
Variant type: single nucleotide variant.
Coding change: c.1462A>G on transcript NM_000202.8 (MANE Select); coding-DNA position 1462, A replaced by G.
Protein change: p.Met488Val; replaces methionine 488 with valine.
Molecular consequence: missense variant.
Genome position (GRCh38, 1-based): chrX:149,482,937, T>C on the plus strand (A>G on the coding strand, the complement: IDS is on the minus strand). VCF-style: chrX-149482937-T-C. GRCh37 (hg19) VCF-style: chrX-148564468-T-C.
Other names: c.1192A>G, p.Met398Val (NM_001166550.4); short protein forms M398V, M488V.
Identifiers: ClinVar variation 3365782 (VCV003365782.2).
Genomic context (GRCh38, chrX:149,482,937, plus strand): 5'-CAGGATTGAAGCCAACCCACACAGTATACCTATAGTCTATGGTGCGTATGGAATAGCCCA[T>C]GATCTTTATATCTTTTAAACTCGGCTTGTCAGAATTCCACTGAGGGATGTCTGAAGGCCG-3'
Protein context (NP_000193.1, residues 478-498): DKPSLKDIKI[Met488Val]GYSIRTIDYR